The following is an entry in ClinVar:

NM_014363.6(SACS):c.4605del (p.Phe1535fs)

Gene: SACS (sacsin molecular chaperone; minus strand). Cytogenetic location: 13q12.12.
Variant type: Deletion.
Coding change: c.4605del on transcript NM_014363.6 (MANE Select); coding-DNA position 4605, one base deleted (T; older notation c.4605delT).
Protein change: p.Phe1535fs; shifts the reading frame from phenylalanine 1535.
Molecular consequence: frameshift variant.
Genome position (GRCh38, 1-based): chr13:23,339,271, A deleted on the plus strand (T on the coding strand, the reverse complement: SACS is on the minus strand); the first of 4 consecutive A bases (chr13:23,339,271-23,339,274); deleting any one gives the same sequence. VCF-style (leftmost placement, unchanged base first): chr13-23339270-CA-C. GRCh37 (hg19) VCF-style: chr13-23913409-CA-C.
Other names: c.4164del, p.Phe1388fs (NM_001278055.2); short protein forms F1388fs, F1535fs.
Identifiers: ClinVar variation 3341481 (VCV003341481.1).

ClinVar aggregate classification (germline): Likely pathogenic (1 of 4 stars; one submission).

Conditions:
Charlevoix-Saguenay spastic ataxia (SACS). Also called: AUTOSOMAL RECESSIVE SPASTIC ATAXIA OF CHARLEVOIX-SAGUENAY; Spastic ataxia of Charlevoix-Saguenay; SPASTIC ATAXIA 6, AUTOSOMAL RECESSIVE. Identifiers: Orphanet 98, MedGen C1849140, MONDO:0010041, OMIM 270550.

Submission:

Neuberg Centre For Genomic Medicine, NCGM
Classification: Likely pathogenic for Charlevoix-Saguenay spastic ataxia. Last evaluated: 2023-05-20. Review status: criteria provided, single submitter. Criteria: ACMG Guidelines, 2015. Collection method: clinical testing. Allele origin: germline. Inheritance: Autosomal recessive inheritance. Affected: yes.
Comment: The frameshift variant c.4605del (p.Phe1535LeufsTer2) in the SACS gene has not been reported previously as a pathogenic variant nor as a benign variant, to our knowledge. The variant is absent in the gnomAD Exomes. This variant causes a frameshift starting with codon Phenylalanine 1535, changes this amino acid to Leucine residue, and creates a premature Stop codon at position 2 of the new reading frame. This variant is predicted to cause a loss of normal protein function through protein truncation. However it is in last exon , multiple truncating variants downstream to this position have been reported to be pathogenic. Loss of function variants have been previously reported to be disease causing (Burguêz et al., 2017). For these reasons, this variant has been classified as Likely Pathogenic.